The following is an entry in ClinVar:

ClinVar aggregate classification (germline): Uncertain significance. Review status: criteria provided, multiple submitters, no conflicts (2 of 4 stars). 3 submissions from 3 submitters: Uncertain significance (3). Last evaluated 2026-07-01.

Conditions:
Glycogen storage disease, type II (IOPD). Also called: CARDIOMEGALIA GLYCOGENICA DIFFUSA; GLYCOGENOSIS, GENERALIZED, CARDIAC FORM; GSD II; Glycogen storage disease type 2; Acid maltase deficiency disease; Aglucosidase alfa. Identifiers: Orphanet 365, MedGen C0017921, MONDO:0009290, OMIM 232300.

Submissions (3):

Genomenon, Inc
Classification: Uncertain significance for Glycogen storage disease, type II. Last evaluated: 2026-07-01. Review status: criteria provided, single submitter. Criteria: Genomenon Sequence Variant Interpretation Standards - Updated. Collection method: curation. Allele origin: germline. Affected: no.
Comment: GAA c.-32-13T>C is an intronic variant located in the 5′ untranslated region (5′ UTR). This variant has been reported in the published literature (PMID:33072949;29122469). It is absent or not present at a significant frequency in gnomAD. In silico models predict that this variant is not damaging. In conclusion, we classify GAA c.-32-13T>C as a variant of uncertain significance.

Women's Health and Genetics/Laboratory Corporation of America, LabCorp
Classification: Uncertain significance. Last evaluated: 2022-02-11. Review status: criteria provided, single submitter. Criteria: LabCorp Variant Classification Summary - May 2015. Collection method: clinical testing. Allele origin: germline.
Comment: Variant summary: GAA c.-32-13T>C is located in the untranslated mRNA region upstream of the initiation codon. Several computational tools predict a significant impact on normal splicing: Three predict the variant weakens a 3' acceptor site. However, these predictions have yet to be confirmed by functional studies. The variant was absent in 220344 control chromosomes. The available data on variant occurrences in the general population are insufficient to allow any conclusion about variant significance. c.-32-13T>C has been reported in the literature in one individual affected with Glycogen Storage Disease, Type 2 (Pompe Disease; Ficicioglu_2020). These data do not allow any conclusion about variant significance. To our knowledge, no experimental evidence demonstrating an impact on protein function has been reported. A different variant located at the same nucleotide position have been reported in association with Glycogen storage disease 2 in HGMD (c.-32-13T>A, c.-32-13T>G). One clinical diagnostic laboratory has submitted clinical-significance assessments for this variant to ClinVar after 2014 without evidence for independent evaluation. One laboratory classified the variant as uncertain significance. Based on the evidence outlined above, the variant was classified as uncertain significance.

Labcorp Genetics (formerly Invitae), Labcorp
Classification: Uncertain significance for Glycogen storage disease, type II. Last evaluated: 2021-09-02. Review status: criteria provided, single submitter. Criteria: Invitae Variant Classification Sherloc (09022015). Collection method: clinical testing. Allele origin: germline.

Literature cited by the submitters: PubMed 33072949 (cited by Genomenon, Inc); PubMed 29122469 (cited by Genomenon, Inc); PubMed 33202836 (cited by Women's Health and Genetics/Laboratory Corporation of America, LabCorp); PubMed 34020684 (cited by Women's Health and Genetics/Laboratory Corporation of America, LabCorp).

NM_000152.5(GAA):c.-32-13T>C

Gene: GAA (alpha glucosidase; plus strand). Cytogenetic location: 17q25.3.
Variant type: single nucleotide variant.
Coding change: c.-32-13T>C on transcript NM_000152.5 (MANE Select); 13 bases into the intron before 32 bases upstream of the start codon, T replaced by C.
Molecular consequence: intron variant.
Genome position (GRCh38, 1-based): chr17:80,104,542, T>C. VCF-style: chr17-80104542-T-C. GRCh37 (hg19) VCF-style: chr17-78078341-T-C.
Other names: c.-32-13T>C (NM_001079803.3, NM_001079804.3).
Identifiers: ClinVar variation 1025528 (VCV001025528.6), dbSNP rs386834236, ClinGen allele CA2277810498.
Genomic context (GRCh38, chr17:80,104,542, plus strand): 5'-CAGAGCTGCTTTGAGAGCCCCGTGAGTGCCGCCCCTCCCGCCTCCCTGCTGAGCCCGCTT[T>C]CTTCTCCCGCAGGCCTGTAGGAGCTGTCCAGGCCATCTCCAACCATGGGAGTGAGGCACC-3'